The following is an entry in ClinVar:

NM_014795.4(ZEB2):c.3134A>T (p.His1045Leu)

Gene: ZEB2 (zinc finger E-box binding homeobox 2; minus strand). Cytogenetic location: 2q22.3.
Variant type: single nucleotide variant.
Coding change: c.3134A>T on transcript NM_014795.4 (MANE Select); coding-DNA position 3134, A replaced by T.
Protein change: p.His1045Leu; replaces histidine 1045 with leucine.
Molecular consequence: missense variant.
Genome position (GRCh38, 1-based): chr2:144,389,962, T>A on the plus strand (A>T on the coding strand, the complement: ZEB2 is on the minus strand). VCF-style: chr2-144389962-T-A. GRCh37 (hg19) VCF-style: chr2-145147529-T-A.
Other names: c.3062A>T, p.His1021Leu (NM_001171653.2); short protein forms H1021L, H1045L.
Identifiers: ClinVar variation 2837185 (VCV002837185.3), dbSNP rs397515449, ClinGen allele CA348701058.

ClinVar aggregate classification (germline): Pathogenic (1 of 4 stars; one submission).

Conditions:
Mowat-Wilson syndrome (MOWS). Also called: Classic Mowat-Wilson Syndrome. Identifiers: Orphanet 2152, MedGen C1856113, MONDO:0009341, OMIM 235730.

Submission:

Labcorp Genetics (formerly Invitae), Labcorp
Classification: Pathogenic for Mowat-Wilson syndrome. Last evaluated: 2023-03-15. Review status: criteria provided, single submitter. Criteria: Invitae Variant Classification Sherloc (09022015). Collection method: clinical testing. Allele origin: germline.
Comment: For these reasons, this variant has been classified as Pathogenic. This variant disrupts the p.His1045 amino acid residue in ZEB2. Other variant(s) that disrupt this residue have been determined to be pathogenic (PMID: 23466526). This suggests that this residue is clinically significant, and that variants that disrupt this residue are likely to be disease-causing. Advanced modeling of protein sequence and biophysical properties (such as structural, functional, and spatial information, amino acid conservation, physicochemical variation, residue mobility, and thermodynamic stability) performed at Invitae indicates that this missense variant is expected to disrupt ZEB2 protein function. This missense change has been observed in individual(s) with clinical features of Mowat-Wilson syndrome (Invitae). In at least one individual the variant was observed to be de novo. This variant is not present in population databases (gnomAD no frequency). This sequence change replaces histidine, which is basic and polar, with leucine, which is neutral and non-polar, at codon 1045 of the ZEB2 protein (p.His1045Leu).

Literature cited by the submitters: PubMed 23466526.